The following is an entry in ClinVar:

ClinVar aggregate classification (germline): Uncertain significance. Review status: criteria provided, multiple submitters, no conflicts (2 of 4 stars). 4 submissions from 4 submitters: Uncertain significance (4). Last evaluated 2026-05-16.

Conditions:
Leber congenital amaurosis 6 (LCA6). Identifiers: Orphanet 65, MedGen C1854260, MONDO:0013446, OMIM 613826.
Cone-rod dystrophy 13 (CORD13). Identifiers: Orphanet 1872, MedGen C2750720, MONDO:0011987, OMIM 608194.
RPGRIP1-related disorder. Also called: RPGRIP1-related condition.
Inborn genetic diseases. Identifiers: MedGen C0950123, MeSH D030342.

Allele frequency attached by ClinVar (database versions not stated): ExAC 0.00001; gnomAD 0.00002; gnomAD exomes 0.00002 and 0.00006; TOPMed 0.00002.
gnomAD v4.1: 81 of 1,613,572 alleles (0.005%); highest among the groups gnomAD compares: Non-Finnish European, 0.0067%; no homozygotes.

Submissions (4):

PreventionGenetics, part of Exact Sciences
Classification: Uncertain significance for RPGRIP1-related condition. Last evaluated: 2026-05-16. Review status: criteria provided, single submitter. Criteria: ACMG Guidelines, 2015. Collection method: clinical testing. Allele origin: germline.
Comment: The RPGRIP1 c.683C>T variant is predicted to result in the amino acid substitution p.Ala228Val. To our knowledge, this variant has not been reported in the literature. This variant is reported in 0.0039% of alleles in individuals of European (Non-Finnish) descent in gnomAD. At this time, the clinical significance of this variant is uncertain due to the absence of conclusive functional and genetic evidence.

Ambry Genetics
Classification: Uncertain significance for Inborn genetic diseases. Last evaluated: 2024-12-10. Review status: criteria provided, single submitter. Criteria: Ambry Variant Classification Scheme 2023. Collection method: clinical testing. Allele origin: germline.

Blueprint Genetics
Classification: Uncertain significance. Last evaluated: 2022-02-24. Review status: criteria provided, single submitter. Criteria: ACMG Guidelines, 2015. Collection method: clinical testing. Allele origin: germline.

Labcorp Genetics (formerly Invitae), Labcorp
Classification: Uncertain significance for Leber congenital amaurosis 6; Cone-rod dystrophy 13. Last evaluated: 2021-09-01. Review status: criteria provided, single submitter. Criteria: Invitae Variant Classification Sherloc (09022015). Collection method: clinical testing. Allele origin: germline.
Comment: This sequence change replaces alanine with valine at codon 228 of the RPGRIP1 protein (p.Ala228Val). The alanine residue is weakly conserved and there is a small physicochemical difference between alanine and valine. This variant is present in population databases (rs756504836, ExAC 0.002%). This variant has not been reported in the literature in individuals affected with RPGRIP1-related conditions. Algorithms developed to predict the effect of missense changes on protein structure and function are either unavailable or do not agree on the potential impact of this missense change (SIFT: "Deleterious"; PolyPhen-2: "Benign"; Align-GVGD: "Class C0"). Algorithms developed to predict the effect of sequence changes on RNA splicing suggest that this variant may create or strengthen a splice site. In summary, the available evidence is currently insufficient to determine the role of this variant in disease. Therefore, it has been classified as a Variant of Uncertain Significance.

NM_020366.4(RPGRIP1):c.683C>T (p.Ala228Val)

Gene: RPGRIP1 (RPGR interacting protein 1; plus strand). Cytogenetic location: 14q11.2.
Variant type: single nucleotide variant.
Coding change: c.683C>T on transcript NM_020366.4 (MANE Select); coding-DNA position 683, C replaced by T.
Protein change: p.Ala228Val; replaces alanine 228 with valine.
Molecular consequence: missense variant.
Genome position (GRCh38, 1-based): chr14:21,303,426, C>T. VCF-style: chr14-21303426-C-T. GRCh37 (hg19) VCF-style: chr14-21771585-C-T.
Other names: c.683C>T (NM_020366.3); short protein forms A228V.
Identifiers: ClinVar variation 1497140 (VCV001497140.8), dbSNP rs756504836, ClinGen allele CA7088730.